The following is an entry in ClinVar:

ClinVar aggregate classification (germline): Uncertain significance. Review status: criteria provided, multiple submitters, no conflicts (2 of 4 stars). 3 submissions from 3 submitters: Uncertain significance (3). Last evaluated 2024-10-05.

Conditions:
Parathyroid carcinoma (PRTC). Also called: Parathyroid gland carcinoma; CDC73-Related Parathyroid Carcinoma. Identifiers: Orphanet 143, MedGen C0687150, MONDO:0012004, OMIM 608266, HP:0006780.
Hereditary cancer-predisposing syndrome. Also called: Hereditary neoplastic syndrome; Neoplastic Syndromes, Hereditary; Tumor predisposition; Hereditary Cancer Syndrome. Identifiers: Orphanet 140162, MedGen C0027672, MeSH D009386, MONDO:0015356.

Allele frequency attached by ClinVar (database versions not stated): gnomAD exomes below 0.00001; TOPMed 0.00002.
gnomAD v4.1: 3 of 1,613,788 alleles (0.00019%); highest among the groups gnomAD compares: Non-Finnish European, 0.00017%; no homozygotes.

Submissions (3):

Ambry Genetics
Classification: Uncertain significance for Hereditary cancer-predisposing syndrome. Last evaluated: 2024-10-05. Review status: criteria provided, single submitter. Criteria: Ambry Variant Classification Scheme 2023. Collection method: clinical testing. Allele origin: germline.
Comment: The p.Q338P variant (also known as c.1013A>C), located in coding exon 11 of the CDC73 gene, results from an A to C substitution at nucleotide position 1013. The glutamine at codon 338 is replaced by proline, an amino acid with similar properties. This amino acid position is conserved. In addition, the in silico prediction for this alteration is inconclusive. Since supporting evidence is limited at this time, the clinical significance of this alteration remains unclear.

Labcorp Genetics (formerly Invitae), Labcorp
Classification: Uncertain significance for Parathyroid carcinoma. Last evaluated: 2024-09-30. Review status: criteria provided, single submitter. Criteria: Invitae Variant Classification Sherloc (09022015). Collection method: clinical testing. Allele origin: germline.
Comment: This sequence change replaces glutamine, which is neutral and polar, with proline, which is neutral and non-polar, at codon 338 of the CDC73 protein (p.Gln338Pro). This variant is not present in population databases (gnomAD no frequency). This variant has not been reported in the literature in individuals affected with CDC73-related conditions. ClinVar contains an entry for this variant (Variation ID: 531640). Invitae Evidence Modeling of protein sequence and biophysical properties (such as structural, functional, and spatial information, amino acid conservation, physicochemical variation, residue mobility, and thermodynamic stability) indicates that this missense variant is not expected to disrupt CDC73 protein function with a negative predictive value of 80%. In summary, the available evidence is currently insufficient to determine the role of this variant in disease. Therefore, it has been classified as a Variant of Uncertain Significance.

GeneDx
Classification: Uncertain significance. Last evaluated: 2024-04-17. Review status: criteria provided, single submitter. Criteria: GeneDx Variant Classification Process June 2021. Collection method: clinical testing. Allele origin: germline. Affected: yes.
Comment: Not observed at significant frequency in large population cohorts (gnomAD); In silico analysis indicates that this missense variant does not alter protein structure/function; Has not been previously published as pathogenic or benign to our knowledge; This variant is associated with the following publications: (PMID: 15923622, 15632063)

NM_024529.5(CDC73):c.1013A>C (p.Gln338Pro)

Gene: CDC73 (cell division cycle 73; plus strand). Cytogenetic location: 1q31.2.
Variant type: single nucleotide variant.
Coding change: c.1013A>C on transcript NM_024529.5 (MANE Select); coding-DNA position 1013, A replaced by C.
Protein change: p.Gln338Pro; replaces glutamine 338 with proline.
Molecular consequence: missense variant.
Genome position (GRCh38, 1-based): chr1:193,203,835, A>C. VCF-style: chr1-193203835-A-C. GRCh37 (hg19) VCF-style: chr1-193172965-A-C.
Other names: short protein forms Q338P.
Identifiers: ClinVar variation 531640 (VCV000531640.14), dbSNP rs993696396, ClinGen allele CA35097859.